The following is an entry in ClinVar:

NM_030665.4(RAI1):c.949C>G (p.Gln317Glu)

Gene: RAI1 (retinoic acid induced 1; plus strand). Cytogenetic location: 17p11.2.
Variant type: single nucleotide variant.
Coding change: c.949C>G on transcript NM_030665.4 (MANE Select); coding-DNA position 949, C replaced by G.
Protein change: p.Gln317Glu; replaces glutamine 317 with glutamic acid.
Molecular consequence: missense variant.
Genome position (GRCh38, 1-based): chr17:17,793,897, C>G. VCF-style: chr17-17793897-C-G. GRCh37 (hg19) VCF-style: chr17-17697211-C-G.
Other names: short protein forms Q317E.
Identifiers: ClinVar variation 3371993 (VCV003371993.1).

ClinVar aggregate classification (germline): Uncertain significance (1 of 4 stars; one submission).

gnomAD v4.1: 1 of 1,613,886 alleles (0.000062%); highest among the groups gnomAD compares: Non-Finnish European, 0.000085%; no homozygotes.

Submission:

GeneDx
Classification: Uncertain significance. Last evaluated: 2024-04-07. Review status: criteria provided, single submitter. Criteria: GeneDx Variant Classification Process June 2021. Collection method: clinical testing. Allele origin: germline. Affected: yes.
Comment: Not observed at significant frequency in large population cohorts (gnomAD); In silico analysis indicates that this missense variant does not alter protein structure/function; Has not been previously published as pathogenic or benign to our knowledge